The following is an entry in ClinVar:

NM_001142800.2(EYS):c.2641+1G>C

Gene: EYS (EGF-like photoreceptor maintenance factor; minus strand). Cytogenetic location: 6q12.
Variant type: single nucleotide variant.
Coding change: c.2641+1G>C on transcript NM_001142800.2 (MANE Select); the canonical splice donor site of the intron after coding-DNA position 2641, G replaced by C.
Molecular consequence: splice donor variant.
Genome position (GRCh38, 1-based): chr6:64,912,483, C>G on the plus strand (G>C on the coding strand, the complement: EYS is on the minus strand). VCF-style: chr6-64912483-C-G. GRCh37 (hg19) VCF-style: chr6-65622376-C-G.
Other names: c.2641+1G>C (NM_001292009.2).
Identifiers: ClinVar variation 4995478 (VCV004995478.1).

ClinVar aggregate classification (germline): Likely pathogenic (1 of 4 stars; one submission).

Conditions:
EYS-related disorder. Also called: EYS-related condition.

Submission:

PreventionGenetics, part of Exact Sciences
Classification: Likely pathogenic for EYS-related condition. Last evaluated: 2025-12-26. Review status: criteria provided, single submitter. Criteria: ACMG Guidelines, 2015. Collection method: clinical testing. Allele origin: germline.
Comment: The EYS c.2641+1G>C variant is predicted to disrupt the GT donor site and interfere with normal splicing. To our knowledge, this variant has not been reported in the literature. An alternate variant of this nucleotide (c.2641+1G>A) has been reported in an individual with retinitis pigmentosa (Table S4, Kim et al. 2021. PubMed ID: 33946315). This variant is absent in a large population database (gnomAD), indicating this variant is rare. Variants that disrupt the consensus splice donor site in EYS are an established mechanism of disease. This variant is interpreted as likely pathogenic.